The following is an entry in ClinVar:

ClinVar aggregate classification (germline): Uncertain significance. Review status: criteria provided, multiple submitters, no conflicts (2 of 4 stars). 2 submissions from 2 submitters: Uncertain significance (2). Last evaluated 2025-02-03.

Conditions:
Inborn genetic diseases. Identifiers: MedGen C0950123, MeSH D030342.

Submissions (2):

Labcorp Genetics (formerly Invitae), Labcorp
Classification: Uncertain significance. Last evaluated: 2025-02-03. Review status: criteria provided, single submitter. Criteria: Invitae Variant Classification Sherloc (09022015). Collection method: clinical testing. Allele origin: germline.
Comment: This sequence change replaces cysteine, which is neutral and slightly polar, with glycine, which is neutral and non-polar, at codon 1231 of the OBSL1 protein (p.Cys1231Gly). This variant is not present in population databases (gnomAD no frequency). This variant has not been reported in the literature in individuals affected with OBSL1-related conditions. ClinVar contains an entry for this variant (Variation ID: 2162363). An algorithm developed to predict the effect of missense changes on protein structure and function (PolyPhen-2) suggests that this variant¬†is likely to be tolerated. In summary, the available evidence is currently insufficient to determine the role of this variant in disease. Therefore, it has been classified as a Variant of Uncertain Significance.

Ambry Genetics
Classification: Uncertain significance for Inborn genetic diseases. Last evaluated: 2024-11-23. Review status: criteria provided, single submitter. Criteria: Ambry Variant Classification Scheme 2023. Collection method: clinical testing. Allele origin: germline.

NM_015311.3(OBSL1):c.3691T>G (p.Cys1231Gly)

Gene: OBSL1 (obscurin like cytoskeletal adaptor 1; minus strand). Cytogenetic location: 2q35.
Variant type: single nucleotide variant.
Coding change: c.3691T>G on transcript NM_015311.3 (MANE Select); coding-DNA position 3691, T replaced by G.
Protein change: p.Cys1231Gly; replaces cysteine 1231 with glycine.
Molecular consequence: missense variant.
Genome position (GRCh38, 1-based): chr2:219,557,922, A>C on the plus strand (T>G on the coding strand, the complement: OBSL1 is on the minus strand). VCF-style: chr2-219557922-A-C. GRCh37 (hg19) VCF-style: chr2-220422644-A-C.
Other names: c.3691T>G, p.Cys1231Gly (NM_001173431.2); c.3691T>G (NM_015311.2); short protein forms C1231G.
Identifiers: ClinVar variation 2162363 (VCV002162363.4), dbSNP rs1021664569, ClinGen allele CA66028534.